The following is an entry in ClinVar:

ClinVar aggregate classification (germline): Uncertain significance. Review status: criteria provided, multiple submitters, no conflicts (2 of 4 stars). 2 submissions from 2 submitters: Uncertain significance (2). Last evaluated 2024-06-17.

Conditions:
PPP1CB-related disorder. Also called: PPP1CB-related condition.

Submissions (2):

GeneDx
Classification: Uncertain significance. Last evaluated: 2024-06-17. Review status: criteria provided, single submitter. Criteria: GeneDx Variant Classification Process June 2021. Collection method: clinical testing. Allele origin: germline. Affected: yes.
Comment: Not observed at significant frequency in large population cohorts (gnomAD); In silico analysis supports that this missense variant has a deleterious effect on protein structure/function; Has not been previously published as pathogenic or benign to our knowledge

PreventionGenetics, part of Exact Sciences
Classification: Uncertain significance for PPP1CB-related condition. Last evaluated: 2023-03-20. Review status: criteria provided, single submitter. Criteria: ACMG Guidelines, 2015. Collection method: clinical testing. Allele origin: germline.
Comment: The PPP1CB c.71G>T variant is predicted to result in the amino acid substitution p.Gly24Val. To our knowledge, this variant has not been reported in the literature or in a large population database, indicating this variant is rare. At this time, the clinical significance of this variant is uncertain due to the absence of conclusive functional and genetic evidence.

NM_002709.3(PPP1CB):c.71G>T (p.Gly24Val)

Gene: PPP1CB (protein phosphatase 1 catalytic subunit beta; plus strand). Cytogenetic location: 2p23.2.
Variant type: single nucleotide variant.
Coding change: c.71G>T on transcript NM_002709.3 (MANE Select); coding-DNA position 71, G replaced by T.
Protein change: p.Gly24Val; replaces glycine 24 with valine.
Molecular consequence: missense variant.
Genome position (GRCh38, 1-based): chr2:28,776,869, G>T. VCF-style: chr2-28776869-G-T. GRCh37 (hg19) VCF-style: chr2-28999735-G-T.
Other names: c.71G>T, p.Gly24Val (NM_206876.2); short protein forms G24V.
Identifiers: ClinVar variation 2633494 (VCV002633494.2), dbSNP rs2465724340, ClinGen allele CA346580662.